The following is an entry in ClinVar:

ClinVar aggregate classification (germline): Pathogenic/Likely pathogenic. Review status: criteria provided, multiple submitters, no conflicts (2 of 4 stars). 2 submissions from 2 submitters: Pathogenic (1); Likely pathogenic (1). Last evaluated 2021-05-09.

Conditions:
Autosomal dominant Alport syndrome (ATS3A). Also called: Alport syndrome dominant type; Renal failure and sensorineural hearing loss; ALPORT SYNDROME 3A, AUTOSOMAL DOMINANT. Identifiers: Orphanet 63, Orphanet 88918, MedGen C5882663, MONDO:0007086, OMIM 104200.
Hematuria, benign familial, 2 (BFH2). Identifiers: MedGen C5830421, MONDO:0958186, OMIM 620320.
Alport syndrome 3b, autosomal recessive. Identifiers: MedGen C5882699, MONDO:0957811, OMIM 620536.

Submissions (2):

Labcorp Genetics (formerly Invitae), Labcorp
Classification: Pathogenic. Last evaluated: 2021-05-09. Review status: criteria provided, single submitter. Criteria: Invitae Variant Classification Sherloc (09022015). Collection method: clinical testing. Allele origin: germline.
Comment: This sequence change creates a premature translational stop signal (p.Glu345*) in the COL4A3 gene. It is expected to result in an absent or disrupted protein product. Loss-of-function variants in COL4A3 are known to be pathogenic (PMID: 8956999, 24854265, 26809805, 27281700). This variant is not present in population databases (ExAC no frequency). This variant has not been reported in the literature in individuals with COL4A3-related conditions. For these reasons, this variant has been classified as Pathogenic.

Juno Genomics, Hangzhou Juno Genomics, Inc
Classification: Likely pathogenic for Autosomal dominant Alport syndrome; Alport syndrome 3b, autosomal recessive; Hematuria, benign familial, 2. Review status: criteria provided, single submitter. Criteria: ACMG Guidelines, 2015. Collection method: clinical testing. Allele origin: germline.
Comment: Null variant in a gene where loss of function (LOF) is a known mechanism of disease.;Absent from controls (or at extremely low frequency if recessive) in Genome Aggregation Database.

Literature cited by the submitters: PubMed 8956999 (cited by Labcorp Genetics (formerly Invitae), Labcorp); PubMed 24854265 (cited by Labcorp Genetics (formerly Invitae), Labcorp); PubMed 26809805 (cited by Labcorp Genetics (formerly Invitae), Labcorp); PubMed 27281700 (cited by Labcorp Genetics (formerly Invitae), Labcorp).

NM_000091.5(COL4A3):c.1033G>T (p.Glu345Ter)

Genes: COL4A3 (collagen type IV alpha 3 chain; plus strand), MFF-DT (MFF divergent transcript; minus strand). Cytogenetic location: 2q36.3.
Variant type: single nucleotide variant.
Coding change: c.1033G>T on transcript NM_000091.5 (MANE Select); coding-DNA position 1033, G replaced by T.
Protein change: p.Glu345Ter; replaces glutamic acid 345 with a stop codon.
Molecular consequence: nonsense.
Genome position (GRCh38, 1-based): chr2:227,259,796, G>T. VCF-style: chr2-227259796-G-T. GRCh37 (hg19) VCF-style: chr2-228124512-G-T.
Other names: short protein forms E345*.
Identifiers: ClinVar variation 1456819 (VCV001456819.8), dbSNP rs760561462, ClinGen allele CA350868167.